The following is an entry in ClinVar:

NM_001492.6(GDF1):c.767A>G (p.Glu256Gly)

Genes: CERS1 (ceramide synthase 1; minus strand), GDF1 (growth differentiation factor 1; minus strand). Cytogenetic location: 19p13.11.
Variant type: single nucleotide variant.
Coding change: c.767A>G on transcript NM_001492.6 (MANE Select); coding-DNA position 767, A replaced by G.
Protein change: p.Glu256Gly; replaces glutamic acid 256 with glycine.
Molecular consequence: missense variant. On other transcripts: 3 prime UTR variant (2).
Genome position (GRCh38, 1-based): chr19:18,868,949, T>C on the plus strand (A>G on the coding strand, the complement: GDF1 is on the minus strand). VCF-style: chr19-18868949-T-C. GRCh37 (hg19) VCF-style: chr19-18979758-T-C.
Other names: c.767A>G (NM_001492.4); c.*1628A>G (NM_001387440.1); c.*1036A>G (NM_021267.5); c.767A>G, p.Glu256Gly (NM_001387438.1); short protein forms E256G.
Identifiers: ClinVar variation 1045015 (VCV001045015.8), dbSNP rs533711419, ClinGen allele CA306231673.
Genomic context (GRCh38, chr19:18,868,949, plus strand): 5'-AAGCTCACGTACAGCCGCCGCGCGCGACAAGCGCCCCCGGGGCCGCCGCCCAACACGGGT[T>C]CGGCGTCGCGCCGCGGCCGGGCCAGGGGGTGGCACAGGCGCGGGTCGAGGGTCACCAGCA-3'
Protein context (NP_001483.3, residues 246-266): HPLARPRRDA[Glu256Gly]PVLGGGPGGA

ClinVar aggregate classification (germline): Uncertain significance. Review status: criteria provided, multiple submitters, no conflicts (2 of 4 stars). 2 submissions from 2 submitters: Uncertain significance (2). Last evaluated 2025-09-21.

Allele frequency attached by ClinVar (database versions not stated): 1000 Genomes Project 30x 0.00062; gnomAD exomes 0.00001; gnomAD 0.00022; 1000 Genomes Project 0.00100; TOPMed 0.00029.
gnomAD v4.1: 43 of 1,221,118 alleles (0.0035%); highest among the groups gnomAD compares: African/African-American, 0.058%; no homozygotes.

Submissions (2):

Ambry Genetics
Classification: Uncertain significance. Last evaluated: 2025-09-21. Review status: criteria provided, single submitter. Criteria: Ambry Variant Classification Scheme 2023. Collection method: clinical testing. Allele origin: germline.

Labcorp Genetics (formerly Invitae), Labcorp
Classification: Uncertain significance. Last evaluated: 2023-07-17. Review status: criteria provided, single submitter. Criteria: Invitae Variant Classification Sherloc (09022015). Collection method: clinical testing. Allele origin: germline.
Comment: ClinVar contains an entry for this variant (Variation ID: 1045015). Advanced modeling of protein sequence and biophysical properties (such as structural, functional, and spatial information, amino acid conservation, physicochemical variation, residue mobility, and thermodynamic stability) performed at Invitae indicates that this missense variant is not expected to disrupt GDF1 protein function. In summary, the available evidence is currently insufficient to determine the role of this variant in disease. Therefore, it has been classified as a Variant of Uncertain Significance. This variant has not been reported in the literature in individuals affected with GDF1-related conditions. This sequence change replaces glutamic acid, which is acidic and polar, with glycine, which is neutral and non-polar, at codon 256 of the GDF1 protein (p.Glu256Gly). This variant is present in population databases (rs533711419, gnomAD 0.3%).